The following is an entry in ClinVar:

ClinVar aggregate classification (germline): Benign. Review status: criteria provided, multiple submitters, no conflicts (2 of 4 stars). 2 submissions from 2 submitters: Benign (2). Last evaluated 2018-06-14.

Allele frequency attached by ClinVar (database versions not stated): gnomAD exomes 0.19292; gnomAD 0.26926 and 0.27656; TOPMed 0.29321; 1000 Genomes Project 30x 0.40537; 1000 Genomes Project 0.40775.
gnomAD v4.1: 238,757 of 1,162,990 alleles (21%); highest among the groups gnomAD compares: East Asian, 61%; 30,479 homozygotes.

Submissions (2):

GeneDx
Classification: Benign. Last evaluated: 2018-06-14. Review status: criteria provided, single submitter. Criteria: GeneDx Variant Classification (06012015). Collection method: clinical testing. Allele origin: germline. Affected: yes.
Comment: This variant is considered likely benign or benign based on one or more of the following criteria: it is a conservative change, it occurs at a poorly conserved position in the protein, it is predicted to be benign by multiple in silico algorithms, and/or has population frequency not consistent with disease.

Breakthrough Genomics
Classification: Benign. Review status: criteria provided, single submitter. Criteria: ACMG Guidelines, 2015. Collection method: not provided. Allele origin: germline. Inheritance: Autosomal recessive inheritance. Affected: yes.

NM_000289.6(PFKM):c.-8-254T>C

Gene: PFKM (phosphofructokinase, muscle; plus strand). Cytogenetic location: 12q13.11.
Variant type: single nucleotide variant.
Coding change: c.-8-254T>C on transcript NM_000289.6 (MANE Select); 254 bases into the intron before 8 bases upstream of the start codon, T replaced by C.
Molecular consequence: intron variant.
Genome position (GRCh38, 1-based): chr12:48,122,513, T>C. VCF-style: chr12-48122513-T-C. GRCh37 (hg19) VCF-style: chr12-48516296-T-C.
Other names: c.17-254T>C (NM_001354741.2); c.-8-254T>C (NM_001354742.2, NM_001354743.2, NM_001354744.2 and 2 more transcripts); c.-84-254T>C (NM_001354747.2, NM_001354748.2); c.206-254T>C (NM_001166686.2, NM_001354737.1, NM_001354739.1 and 1 more transcripts); c.302-254T>C (NM_001354736.1, NM_001354735.1); c.137-254T>C (NM_001354740.1); c.-333-254T>C (NM_001354745.2).
Identifiers: ClinVar variation 676169 (VCV000676169.2), dbSNP rs4760683, ClinGen allele CA15756741.